The following is an entry in ClinVar:

NM_145259.3(ACVR1C):c.795A>G (p.Gln265=)

Gene: ACVR1C (activin A receptor type 1C; minus strand). Cytogenetic location: 2q24.1.
Variant type: single nucleotide variant.
Coding change: c.795A>G on transcript NM_145259.3 (MANE Select); coding-DNA position 795, A replaced by G.
Protein change: p.Gln265=; no amino-acid change (glutamine 265 retained).
Molecular consequence: synonymous variant.
Genome position (GRCh38, 1-based): chr2:157,544,593, T>C on the plus strand (A>G on the coding strand, the complement: ACVR1C is on the minus strand). VCF-style: chr2-157544593-T-C. GRCh37 (hg19) VCF-style: chr2-158401105-T-C.
Other names: c.645A>G, p.Gln215= (NM_001111031.2); c.555A>G, p.Gln185= (NM_001111032.2); c.324A>G, p.Gln108= (NM_001111033.2).
Identifiers: ClinVar variation 783343 (VCV000783343.7), dbSNP rs6746788, ClinGen allele CA1918711.

ClinVar aggregate classification (germline): Benign. Review status: criteria provided, multiple submitters, no conflicts (2 of 4 stars). 3 submissions from 3 submitters: Benign (2). 1 of the submissions does not count toward it. Last evaluated 2019-12-31.

Conditions:
ACVR1C-related disorder. Also called: ACVR1C-related condition.

Allele frequency attached by ClinVar (database versions not stated): ExAC 0.00508; 1000 Genomes Project 0.01697; gnomAD 0.01422 and 0.01517; ESP Exome Variant Server 0.01592; 1000 Genomes Project 30x 0.01733; TOPMed 0.01668; gnomAD exomes 0.00433.

Submissions (3):

Labcorp Genetics (formerly Invitae), Labcorp
Classification: Benign. Last evaluated: 2019-12-31. Review status: criteria provided, single submitter. Criteria: Invitae Variant Classification Sherloc (09022015). Collection method: clinical testing. Allele origin: germline.

Breakthrough Genomics
Classification: Benign. Review status: criteria provided, single submitter. Criteria: ACMG Guidelines, 2015. Collection method: not provided. Allele origin: germline. Inheritance: Unknown mechanism. Affected: yes.

PreventionGenetics, part of Exact Sciences
Classification: Benign for ACVR1C-related condition. Last evaluated: 2019-08-13. Review status: no assertion criteria provided. Collection method: clinical testing. Allele origin: germline. Not counted in ClinVar's aggregate classification.
Comment: This variant is classified as benign based on ACMG/AMP sequence variant interpretation guidelines (Richards et al. 2015 PMID: 25741868, with internal and published modifications).